The following is an entry in ClinVar:

NM_020774.4(MIB1):c.1111C>T (p.Arg371Ter)

Gene: MIB1 (MIB E3 ubiquitin protein ligase 1; plus strand). Cytogenetic location: 18q11.2.
Variant type: single nucleotide variant.
Coding change: c.1111C>T on transcript NM_020774.4 (MANE Select); coding-DNA position 1111, C replaced by T.
Protein change: p.Arg371Ter; replaces arginine 371 with a stop codon.
Molecular consequence: nonsense.
Genome position (GRCh38, 1-based): chr18:21,798,102, C>T. VCF-style: chr18-21798102-C-T. GRCh37 (hg19) VCF-style: chr18-19378063-C-T.
Other names: short protein forms R371*.
Identifiers: ClinVar variation 503664 (VCV000503664.19), dbSNP rs141236852, ClinGen allele CA8908222.
Genomic context (GRCh38, chr18:21,798,102, plus strand): 5'-ATACTTTAGACTTGGAAACATGAATCTATTTTTTTCCCCAAGACTTTAGGTAAAGTTGGC[C>T]GAGTACAACAGATTTATTCAGACAGTGATTTAAAGGTGGAAGTTTGTGGAACATCTTGGA-3'

ClinVar aggregate classification (germline): Uncertain significance. Review status: criteria provided, multiple submitters, no conflicts (2 of 4 stars). 3 submissions from 3 submitters: Uncertain significance (3). Last evaluated 2026-06-19.

Conditions:
MIB1-related disorder. Also called: MIB1-related condition.

Allele frequency attached by ClinVar (database versions not stated): gnomAD exomes 0.00005 and 0.00008; gnomAD 0.00010; ExAC 0.00011; TOPMed 0.00011; ESP Exome Variant Server 0.00031.

Submissions (3):

PreventionGenetics, part of Exact Sciences
Classification: Uncertain significance for MIB1-related condition. Last evaluated: 2026-06-19. Review status: criteria provided, single submitter. Criteria: ACMG Guidelines, 2015. Collection method: clinical testing. Allele origin: germline.
Comment: The MIB1 c.1111C>T variant is predicted to result in premature protein termination (p.Arg371*). This variant was reported in an individual with dilated cardiomyopathy (Patient #44, Kolokotronis et al. 2020. PubMed ID: 32659924) and in an individual with hypertrophic cardiomyopathy (Table SIII, Bonaventura et al. 2019. PubMed ID: 31110529). This variant was also reported in an individual with autism spectrum disorder (Table S5E, Trost et al. 2022. PubMed ID: 36368308). This variant is reported in 0.016% of alleles in individuals of South Asian descent in gnomAD. Loss of function has not been conclusively established as a mechanism for MIB1-related disorder. At this time, the clinical significance of this variant is uncertain due to the absence of conclusive functional and genetic evidence.

CeGaT Center for Human Genetics Tuebingen
Classification: Uncertain significance. Last evaluated: 2024-10-01. Review status: criteria provided, single submitter. Criteria: CeGaT Center For Human Genetics Tuebingen Variant Classification Criteria Version 2. Collection method: clinical testing. Allele origin: germline. Affected: yes. Observed: 1 variant allele.

GeneDx
Classification: Uncertain significance. Last evaluated: 2024-09-11. Review status: criteria provided, single submitter. Criteria: GeneDx Variant Classification Process June 2021. Collection method: clinical testing. Allele origin: germline. Affected: yes.
Comment: Identified in an individual with dilated cardiomyopathy in published literature (PMID: 32659924); Nonsense variant predicted to result in protein truncation or nonsense mediated decay in a gene or region of a gene for which loss of function is not a well-established mechanism of disease; This variant is associated with the following publications: (PMID: 32659924, 36368308)